The following is an entry in ClinVar:

ClinVar aggregate classification (germline): Uncertain significance (1 of 4 stars; one submission).

Allele frequency attached by ClinVar (database versions not stated): gnomAD exomes below 0.00001.
gnomAD v4.1: 1 of 1,614,192 alleles (0.000062%); highest among the groups gnomAD compares: Non-Finnish European, 0.000085%; no homozygotes.

Submission:

Labcorp Genetics (formerly Invitae), Labcorp
Classification: Uncertain significance. Last evaluated: 2020-12-09. Review status: criteria provided, single submitter. Criteria: Invitae Variant Classification Sherloc (09022015). Collection method: clinical testing. Allele origin: germline.
Comment: In summary, the available evidence is currently insufficient to determine the role of this variant in disease. Therefore, it has been classified as a Variant of Uncertain Significance. Algorithms developed to predict the effect of missense changes on protein structure and function are either unavailable or do not agree on the potential impact of this missense change (SIFT: "Deleterious"; PolyPhen-2: "Probably Damaging"; Align-GVGD: "Class C0"). This variant has not been reported in the literature in individuals with CUL7-related conditions. This variant is not present in population databases (ExAC no frequency). This sequence change replaces asparagine with lysine at codon 1427 of the CUL7 protein (p.Asn1427Lys). The asparagine residue is moderately conserved and there is a moderate physicochemical difference between asparagine and lysine.

NM_014780.5(CUL7):c.4281C>G (p.Asn1427Lys)

Gene: CUL7 (cullin 7; minus strand). Cytogenetic location: 6p21.1.
Variant type: single nucleotide variant.
Coding change: c.4281C>G on transcript NM_014780.5 (MANE Select); coding-DNA position 4281, C replaced by G.
Protein change: p.Asn1427Lys; replaces asparagine 1427 with lysine.
Molecular consequence: missense variant.
Genome position (GRCh38, 1-based): chr6:43,040,169, G>C on the plus strand (C>G on the coding strand, the complement: CUL7 is on the minus strand). VCF-style: chr6-43040169-G-C. GRCh37 (hg19) VCF-style: chr6-43007907-G-C.
Other names: c.4377C>G, p.Asn1459Lys (NM_001168370.2, NM_001374872.1); c.4281C>G, p.Asn1427Lys (NM_001374873.1); c.4278C>G, p.Asn1426Lys (NM_001374874.1); short protein forms N1426K, N1427K, N1459K.
Identifiers: ClinVar variation 1355071 (VCV001355071.8), dbSNP rs1264697540, ClinGen allele CA364192811.